The following is an entry in ClinVar:

ClinVar aggregate classification (germline): Uncertain significance. Review status: criteria provided, multiple submitters, no conflicts (2 of 4 stars). 2 submissions from 2 submitters: Uncertain significance (2). Last evaluated 2025-12-10.

Conditions:
Inborn genetic diseases. Identifiers: MedGen C0950123, MeSH D030342.

Allele frequency attached by ClinVar (database versions not stated): gnomAD 0.00003; TOPMed 0.00003; ExAC 0.00004; gnomAD exomes 0.00006.
gnomAD v4.1: 91 of 1,613,258 alleles (0.0056%); highest among the groups gnomAD compares: Non-Finnish European, 0.007%; no homozygotes.

Submissions (2):

Labcorp Genetics (formerly Invitae), Labcorp
Classification: Uncertain significance. Last evaluated: 2025-12-10. Review status: criteria provided, single submitter. Criteria: Invitae Variant Classification Sherloc (09022015). Collection method: clinical testing. Allele origin: germline.
Comment: This sequence change replaces lysine, which is basic and polar, with arginine, which is basic and polar, at codon 31 of the FLI1 protein (p.Lys31Arg). This variant is present in population databases (rs752988685, gnomAD 0.009%). This variant has not been reported in the literature in individuals affected with FLI1-related conditions. ClinVar contains an entry for this variant (Variation ID: 2184243). Invitae Evidence Modeling of protein sequence and biophysical properties (such as structural, functional, and spatial information, amino acid conservation, physicochemical variation, residue mobility, and thermodynamic stability) indicates that this missense variant is not expected to disrupt FLI1 protein function with a negative predictive value of 80%. In summary, the available evidence is currently insufficient to determine the role of this variant in disease. Therefore, it has been classified as a Variant of Uncertain Significance.

Ambry Genetics
Classification: Uncertain significance for Inborn genetic diseases. Last evaluated: 2024-10-26. Review status: criteria provided, single submitter. Criteria: Ambry Variant Classification Scheme 2023. Collection method: clinical testing. Allele origin: germline.

NM_002017.5(FLI1):c.92A>G (p.Lys31Arg)

Gene: FLI1 (Fli-1 proto-oncogene, ETS transcription factor; plus strand). Cytogenetic location: 11q24.3.
Variant type: single nucleotide variant.
Coding change: c.92A>G on transcript NM_002017.5 (MANE Select); coding-DNA position 92, A replaced by G.
Protein change: p.Lys31Arg; replaces lysine 31 with arginine.
Molecular consequence: missense variant. On other transcripts: 5 prime UTR variant (3).
Genome position (GRCh38, 1-based): chr11:128,758,188, A>G. VCF-style: chr11-128758188-A-G. GRCh37 (hg19) VCF-style: chr11-128628083-A-G.
Other names: c.-8A>G (NM_001167681.3); c.-278A>G (NM_001271010.2); c.-129A>G (NM_001271012.2); c.92A>G (NM_002017.3); short protein forms K31R.
Identifiers: ClinVar variation 2184243 (VCV002184243.5), dbSNP rs752988685, ClinGen allele CA6356933.
Genomic context (GRCh38, chr11:128,758,188, plus strand): 5'-TGGTGAGCGACGACCAGTCCCTCTTTGACTCAGCGTACGGAGCGGCAGCCCATCTCCCCA[A>G]GGCCGACATGACTGCCTCGGGGAGTCCTGACTACGGGCAGCCCCACAAGATCAACCCCCT-3'
Protein context (NP_002008.2, residues 21-41): SAYGAAAHLP[Lys31Arg]ADMTASGSPD